The following is an entry in ClinVar:

NM_002473.6(MYH9):c.3061C>T (p.Leu1021Phe)

Gene: MYH9 (myosin heavy chain 9; minus strand). Cytogenetic location: 22q12.3.
Variant type: single nucleotide variant.
Coding change: c.3061C>T on transcript NM_002473.6 (MANE Select); coding-DNA position 3061, C replaced by T.
Protein change: p.Leu1021Phe; replaces leucine 1021 with phenylalanine.
Molecular consequence: missense variant.
Genome position (GRCh38, 1-based): chr22:36,298,958, G>A on the plus strand (C>T on the coding strand, the complement: MYH9 is on the minus strand). VCF-style: chr22-36298958-G-A. GRCh37 (hg19) VCF-style: chr22-36695004-G-A.
Other names: short protein forms L1021F.
Identifiers: ClinVar variation 4703191 (VCV004703191.1).

ClinVar aggregate classification (germline): Uncertain significance (1 of 4 stars; one submission).

gnomAD v4.1: 1 of 1,614,138 alleles (0.000062%); highest among the groups gnomAD compares: East Asian, 0.0022%; no homozygotes.

Submission:

Labcorp Genetics (formerly Invitae), Labcorp
Classification: Uncertain significance. Last evaluated: 2025-05-28. Review status: criteria provided, single submitter. Criteria: Invitae Variant Classification Sherloc (09022015). Collection method: clinical testing. Allele origin: germline.
Comment: This sequence change replaces leucine, which is neutral and non-polar, with phenylalanine, which is neutral and non-polar, at codon 1021 of the MYH9 protein (p.Leu1021Phe). This variant is present in population databases (no rsID available, gnomAD 0.006%). This variant has not been reported in the literature in individuals affected with MYH9-related conditions. Invitae Evidence Modeling of protein sequence and biophysical properties (such as structural, functional, and spatial information, amino acid conservation, physicochemical variation, residue mobility, and thermodynamic stability) has been performed for this missense variant. However, the output from this modeling did not meet the statistical confidence thresholds required to predict the impact of this variant on MYH9 protein function. In summary, the available evidence is currently insufficient to determine the role of this variant in disease. Therefore, it has been classified as a Variant of Uncertain Significance.